The following is an entry in ClinVar:

NM_014727.3(KMT2B):c.5113C>T (p.Arg1705Ter)

Gene: KMT2B (lysine methyltransferase 2B; plus strand). Cytogenetic location: 19q13.12.
Variant type: single nucleotide variant.
Coding change: c.5113C>T on transcript NM_014727.3 (MANE Select); coding-DNA position 5113, C replaced by T.
Protein change: p.Arg1705Ter; replaces arginine 1705 with a stop codon.
Molecular consequence: nonsense.
Genome position (GRCh38, 1-based): chr19:35,730,378, C>T. VCF-style: chr19-35730378-C-T. GRCh37 (hg19) VCF-style: chr19-36221279-C-T.
Other names: short protein forms R1705*.
Identifiers: ClinVar variation 523817 (VCV000523817.4), dbSNP rs1555731976, ClinGen allele CA405419474.

ClinVar aggregate classification (germline): Pathogenic. Review status: criteria provided, multiple submitters, no conflicts (2 of 4 stars). 2 submissions from 2 submitters: Pathogenic (2). Last evaluated 2025-01-10.

Conditions:
Dystonia 28, childhood-onset (DYT28). Also called: KMT2B-Related Dystonia (DYT-KMT2B). Identifiers: Orphanet 589618, MedGen C4310633, MONDO:0015004, OMIM 617284.

Submissions (2):

GeneDx
Classification: Pathogenic. Last evaluated: 2025-01-10. Review status: criteria provided, single submitter. Criteria: GeneDx Variant Classification Process June 2021. Collection method: clinical testing. Allele origin: germline. Affected: yes.
Comment: De novo variant with confirmed parentage in a patient in published literature from a cohort of individuals with developmental disorders; detailed clinical information was not provided (PMID: 33057194); Nonsense variant predicted to result in protein truncation or nonsense mediated decay in a gene for which loss of function is a known mechanism of disease; Not observed at significant frequency in large population cohorts (gnomAD); This variant is associated with the following publications: (PMID: 35982159, 33057194)

3billion
Classification: Pathogenic for Dystonia 28, childhood-onset. Last evaluated: 2023-11-27. Review status: criteria provided, single submitter. Criteria: ACMG Guidelines, 2015. Collection method: clinical testing. Allele origin: germline. Affected: yes.
Comment: The variant is not observed in the gnomAD v2.1.1 dataset. Predicted Consequence/Location: Stop-gained (nonsense): predicted to result in a loss or disruption of normal protein function through nonsense-mediated decay (NMD) or protein truncation. Multiple pathogenic variants are reported downstream of the variant. The variant has been reported to be associated with KMT2B related disorder (ClinVar ID: VCV000523817). Therefore, this variant is classified as Pathogenic according to the recommendation of ACMG/AMP guideline.